The following is an entry in ClinVar:

NM_000089.4(COL1A2):c.1793G>C (p.Gly598Ala)

Gene: COL1A2 (collagen type I alpha 2 chain; plus strand). Cytogenetic location: 7q21.3.
Variant type: single nucleotide variant.
Coding change: c.1793G>C on transcript NM_000089.4 (MANE Select); coding-DNA position 1793, G replaced by C.
Protein change: p.Gly598Ala; replaces glycine 598 with alanine.
Molecular consequence: missense variant.
Genome position (GRCh38, 1-based): chr7:94,416,433, G>C. VCF-style: chr7-94416433-G-C. GRCh37 (hg19) VCF-style: chr7-94045745-G-C.
Other names: c.1793G>C (NM_000089.3); short protein forms G598A.
Identifiers: ClinVar variation 1349331 (VCV001349331.7), dbSNP rs72658142, ClinGen allele CA368222617.

ClinVar aggregate classification (germline): Likely pathogenic. Review status: criteria provided, multiple submitters, no conflicts (2 of 4 stars). 2 submissions from 2 submitters: Likely pathogenic (2). Last evaluated 2023-10-03.

Conditions:
Osteogenesis imperfecta type I (OI1). Also called: OI, TYPE I; OSTEOGENESIS IMPERFECTA TARDA; OSTEOGENESIS IMPERFECTA WITH BLUE SCLERAE; Osteogenesis imperfecta type 1; Lobstein's Disease; Lobstein disease. Identifiers: Orphanet 216796, Orphanet 666, MedGen C0023931, MONDO:0008146, OMIM 166200. Disease mechanism: loss of function.
Ehlers-Danlos syndrome, classic type, 1 (EDSCL1). Also called: EHLERS-DANLOS SYNDROME, GRAVIS TYPE; EHLERS-DANLOS SYNDROME, SEVERE CLASSIC TYPE; Ehlers-Danlos syndrome, type 1; EDS I; Ehlers-Danlos Syndrome, Classic Type, COL5A1-Related. Identifiers: MedGen C0268335, MONDO:0019567, OMIM 130000.

Submissions (2):

Labcorp Genetics (formerly Invitae), Labcorp
Classification: Likely pathogenic for Osteogenesis imperfecta type I; Ehlers-Danlos syndrome, classic type, 1. Last evaluated: 2023-10-03. Review status: criteria provided, single submitter. Criteria: Invitae Variant Classification Sherloc (09022015). Collection method: clinical testing. Allele origin: germline.
Comment: This sequence change replaces glycine, which is neutral and non-polar, with alanine, which is neutral and non-polar, at codon 598 of the COL1A2 protein (p.Gly598Ala). This variant is not present in population databases (gnomAD no frequency). This variant has not been reported in the literature in individuals affected with COL1A2-related conditions. ClinVar contains an entry for this variant (Variation ID: 1349331). Advanced modeling of protein sequence and biophysical properties (such as structural, functional, and spatial information, amino acid conservation, physicochemical variation, residue mobility, and thermodynamic stability) performed at Invitae indicates that this missense variant is expected to disrupt COL1A2 protein function. This variant disrupts the triple helix domain of COL1A2. Glycine residues within the Gly-Xaa-Yaa repeats of the triple helix domain are required for the structure and stability of fibrillar collagens (PMID: 7695699, 8218237, 19344236). In COL1A2, variants affecting these glycine residues are significantly enriched in individuals with disease (PMID: 9016532, 17078022) compared to the general population (ExAC). In summary, the currently available evidence indicates that the variant is pathogenic, but additional data are needed to prove that conclusively. Therefore, this variant has been classified as Likely Pathogenic.

GeneDx
Classification: Likely pathogenic. Last evaluated: 2022-07-29. Review status: criteria provided, single submitter. Criteria: GeneDx Variant Classification Process June 2021. Collection method: clinical testing. Allele origin: germline. Affected: yes.
Comment: Occurs in the triple helical domain and replaces a glycine in a canonical Gly-X-Y repeat; missense substitution of a canonical glycine residue is expected to disrupt normal protein folding and function, and this is an established mechanism of disease (Jovanovic et al., 2021); Not observed at significant frequency in large population cohorts (gnomAD); In silico analysis supports that this missense variant has a deleterious effect on protein structure/function; Has not been previously published as pathogenic or benign to our knowledge; This variant is associated with the following publications: (PMID: 34007986)

Literature cited by the submitters: PubMed 7695699 (cited by Labcorp Genetics (formerly Invitae), Labcorp); PubMed 8218237 (cited by Labcorp Genetics (formerly Invitae), Labcorp); PubMed 19344236 (cited by Labcorp Genetics (formerly Invitae), Labcorp); PubMed 9016532 (cited by Labcorp Genetics (formerly Invitae), Labcorp); PubMed 17078022 (cited by Labcorp Genetics (formerly Invitae), Labcorp).